The following is an entry in ClinVar:

ClinVar aggregate classification (germline): Uncertain significance (1 of 4 stars; one submission).

Submission:

Labcorp Genetics (formerly Invitae), Labcorp
Classification: Uncertain significance. Last evaluated: 2022-03-04. Review status: criteria provided, single submitter. Criteria: Invitae Variant Classification Sherloc (09022015). Collection method: clinical testing. Allele origin: germline.
Comment: This sequence change replaces threonine, which is neutral and polar, with proline, which is neutral and non-polar, at codon 79 of the TNFRSF6B protein (p.Thr79Pro). This variant is not present in population databases (gnomAD no frequency). This variant has not been reported in the literature in individuals affected with TNFRSF6B-related conditions. Algorithms developed to predict the effect of missense changes on protein structure and function (SIFT, PolyPhen-2, Align-GVGD) all suggest that this variant is likely to be disruptive. In summary, the available evidence is currently insufficient to determine the role of this variant in disease. Therefore, it has been classified as a Variant of Uncertain Significance.

NM_003823.4(TNFRSF6B):c.235A>C (p.Thr79Pro)

Genes: RTEL1-TNFRSF6B (RTEL1-TNFRSF6B readthrough (NMD candidate); plus strand), TNFRSF6B (TNF receptor superfamily member 6b; plus strand). Cytogenetic location: 20q13.33.
Variant type: single nucleotide variant.
Coding change: c.235A>C on transcript NM_003823.4 (MANE Select); coding-DNA position 235, A replaced by C.
Protein change: p.Thr79Pro; replaces threonine 79 with proline.
Molecular consequence: missense variant. On other transcripts: non-coding transcript variant (1).
Genome position (GRCh38, 1-based): chr20:63,697,002, A>C. VCF-style: chr20-63697002-A-C. GRCh37 (hg19) VCF-style: chr20-62328355-A-C.
Other names: short protein forms T79P.
Identifiers: ClinVar variation 2100966 (VCV002100966.4), dbSNP rs2517215701, ClinGen allele CA409711017.
Genomic context (GRCh38, chr20:63,697,002, plus strand): 5'-CAGCGGCCGTGCCGCCGAGACAGCCCCACGACGTGTGGCCCGTGTCCACCGCGCCACTAC[A>C]CGCAGTTCTGGAACTACCTAGAGCGCTGCCGCTACTGCAACGTCCTCTGCGGGGAGCGTG-3'
Protein context (NP_003814.1, residues 69-89): TCGPCPPRHY[Thr79Pro]QFWNYLERCR